The following is an entry in ClinVar:

ClinVar aggregate classification (germline): Uncertain significance (1 of 4 stars; one submission).

Conditions:
Autosomal dominant nonsyndromic hearing loss 65. Also called: Deafness, autosomal dominant 65; TBC1D24-Related Autosomal Dominant Nonsyndromic Hearing Loss (DFNA). Identifiers: Orphanet 90635, MedGen C3892048, MONDO:0014470, OMIM 616044.
Developmental and epileptic encephalopathy, 1 (DEE1). Also called: INFANTILE SPASM SYNDROME, X-LINKED 1; X-linked infantile spasms; West's syndrome; Tonic spasms with clustering, arrest of psychomotor development and hypsarrhythmia on EEG; X-Linked Infantile Spasm Syndrome; OHTAHARA SYNDROME, X-LINKED. Identifiers: MedGen C3463992, MONDO:0010632, OMIM 308350. Disease mechanism: loss of function.

gnomAD v4.1: 1 of 1,608,948 alleles (0.000062%); highest among the groups gnomAD compares: African/African-American, 0.0013%; no homozygotes.

Submission:

Labcorp Genetics (formerly Invitae), Labcorp
Classification: Uncertain significance for Developmental and epileptic encephalopathy, 1; Autosomal dominant nonsyndromic hearing loss 65. Last evaluated: 2023-11-13. Review status: criteria provided, single submitter. Criteria: Invitae Variant Classification Sherloc (09022015). Collection method: clinical testing. Allele origin: germline.
Comment: This sequence change replaces alanine, which is neutral and non-polar, with serine, which is neutral and polar, at codon 465 of the TBC1D24 protein (p.Ala465Ser). This variant is not present in population databases (gnomAD no frequency). This variant has not been reported in the literature in individuals affected with TBC1D24-related conditions. Advanced modeling of protein sequence and biophysical properties (such as structural, functional, and spatial information, amino acid conservation, physicochemical variation, residue mobility, and thermodynamic stability) performed at Invitae indicates that this missense variant is not expected to disrupt TBC1D24 protein function with a negative predictive value of 95%. In summary, the available evidence is currently insufficient to determine the role of this variant in disease. Therefore, it has been classified as a Variant of Uncertain Significance.

NM_001199107.2(TBC1D24):c.1393G>T (p.Ala465Ser)

Gene: TBC1D24 (TBC1 domain family member 24; plus strand). Cytogenetic location: 16p13.3.
Variant type: single nucleotide variant.
Coding change: c.1393G>T on transcript NM_001199107.2 (MANE Select); coding-DNA position 1393, G replaced by T.
Protein change: p.Ala465Ser; replaces alanine 465 with serine.
Molecular consequence: missense variant.
Genome position (GRCh38, 1-based): chr16:2,500,358, G>T. VCF-style: chr16-2500358-G-T. GRCh37 (hg19) VCF-style: chr16-2550359-G-T.
Other names: c.1375G>T, p.Ala459Ser (NM_020705.3); short protein forms A465S, A459S.
Identifiers: ClinVar variation 2953832 (VCV002953832.3), dbSNP rs745535369, ClinGen allele CA394380800.